The following is an entry in ClinVar:

ClinVar aggregate classification (germline): Uncertain significance. Review status: criteria provided, multiple submitters, no conflicts (2 of 4 stars). 3 submissions from 3 submitters: Uncertain significance (3). Last evaluated 2025-10-13.

Conditions:
SLC10A2-related disorder. Also called: SLC10A2-related condition.

Allele frequency attached by ClinVar (database versions not stated): TOPMed 0.00002.
gnomAD v4.1: 57 of 1,613,836 alleles (0.0035%); highest among the groups gnomAD compares: Non-Finnish European, 0.0048%; no homozygotes.

Submissions (3):

Labcorp Genetics (formerly Invitae), Labcorp
Classification: Uncertain significance. Last evaluated: 2025-10-13. Review status: criteria provided, single submitter. Criteria: Invitae Variant Classification Sherloc (09022015). Collection method: clinical testing. Allele origin: germline.
Comment: This sequence change replaces proline, which is neutral and non-polar, with histidine, which is basic and polar, at codon 80 of the SLC10A2 protein (p.Pro80His). This variant is not present in population databases (gnomAD no frequency). This variant has not been reported in the literature in individuals affected with SLC10A2-related conditions. ClinVar contains an entry for this variant (Variation ID: 2264192). Invitae Evidence Modeling of protein sequence and biophysical properties (such as structural, functional, and spatial information, amino acid conservation, physicochemical variation, residue mobility, and thermodynamic stability) indicates that this missense variant is expected to disrupt SLC10A2 protein function with a positive predictive value of 80%. In summary, the available evidence is currently insufficient to determine the role of this variant in disease. Therefore, it has been classified as a Variant of Uncertain Significance.

Ambry Genetics
Classification: Uncertain significance. Last evaluated: 2025-04-07. Review status: criteria provided, single submitter. Criteria: Ambry Variant Classification Scheme 2023. Collection method: clinical testing. Allele origin: germline.

PreventionGenetics, part of Exact Sciences
Classification: Uncertain significance for SLC10A2-related condition. Last evaluated: 2024-10-27. Review status: criteria provided, single submitter. Criteria: ACMG Guidelines, 2015. Collection method: clinical testing. Allele origin: germline.
Comment: The SLC10A2 c.239C>A variant is predicted to result in the amino acid substitution p.Pro80His. To our knowledge, this variant has not been reported in the literature or in a large population database (gnomAD), indicating this variant is rare. At this time, the clinical significance of this variant is uncertain due to the absence of conclusive functional and genetic evidence.

NM_000452.3(SLC10A2):c.239C>A (p.Pro80His)

Gene: SLC10A2 (solute carrier family 10 member 2; minus strand). Cytogenetic location: 13q33.1.
Variant type: single nucleotide variant.
Coding change: c.239C>A on transcript NM_000452.3 (MANE Select); coding-DNA position 239, C replaced by A.
Protein change: p.Pro80His; replaces proline 80 with histidine.
Molecular consequence: missense variant.
Genome position (GRCh38, 1-based): chr13:103,066,011, G>T on the plus strand (C>A on the coding strand, the complement: SLC10A2 is on the minus strand). VCF-style: chr13-103066011-G-T. GRCh37 (hg19) VCF-style: chr13-103718361-G-T.
Other names: c.239C>A (NM_000452.2); short protein forms P80H.
Identifiers: ClinVar variation 2264192 (VCV002264192.9), dbSNP rs886443246, ClinGen allele CA255216491.